The following is an entry in ClinVar:

NM_001166108.2(PALLD):c.1088G>A (p.Gly363Asp)

Gene: PALLD (palladin, cytoskeletal associated protein; plus strand). Cytogenetic location: 4q32.3.
Variant type: single nucleotide variant.
Coding change: c.1088G>A on transcript NM_001166108.2 (MANE Select); coding-DNA position 1088, G replaced by A.
Protein change: p.Gly363Asp; replaces glycine 363 with aspartic acid.
Molecular consequence: missense variant. On other transcripts: 5 prime UTR variant (1).
Genome position (GRCh38, 1-based): chr4:168,681,332, G>A. VCF-style: chr4-168681332-G-A. GRCh37 (hg19) VCF-style: chr4-169602483-G-A.
Other names: c.-59G>A (NM_001166109.2); c.1088G>A, p.Gly363Asp (NM_016081.4); short protein forms G363D.
Identifiers: ClinVar variation 1788237 (VCV001788237.2), dbSNP rs2531573569, ClinGen allele CA358793980.

ClinVar aggregate classification (germline): Uncertain significance (1 of 4 stars; one submission).

Allele frequency attached by ClinVar (database versions not stated): gnomAD exomes below 0.00001.

Submission:

Ambry Genetics
Classification: Uncertain significance. Last evaluated: 2022-04-09. Review status: criteria provided, single submitter. Criteria: Ambry Variant Classification Scheme 2023. Collection method: clinical testing. Allele origin: germline.
Comment: The p.G363D variant (also known as c.1088G>A) is located in coding exon 3 of the PALLD gene. The glycine at codon 363 is replaced by aspartic acid, an amino acid with similar properties. This change occurs in the first base pair of coding exon 3. This amino acid position is conserved. In addition, this alteration is predicted to be deleterious by in silico analysis. Since supporting evidence is limited at this time, the clinical significance of this alteration remains unclear.